The following is an entry in ClinVar:

NM_020937.4(FANCM):c.5372C>T (p.Ser1791Leu)

Gene: FANCM (FA complementation group M; plus strand). Cytogenetic location: 14q21.2.
Variant type: single nucleotide variant.
Coding change: c.5372C>T on transcript NM_020937.4 (MANE Select); coding-DNA position 5372, C replaced by T.
Protein change: p.Ser1791Leu; replaces serine 1791 with leucine.
Molecular consequence: missense variant.
Genome position (GRCh38, 1-based): chr14:45,196,203, C>T. VCF-style: chr14-45196203-C-T. GRCh37 (hg19) VCF-style: chr14-45665406-C-T.
Other names: c.5294C>T, p.Ser1765Leu (NM_001308133.2); short protein forms S1765L, S1791L.
Identifiers: ClinVar variation 2200115 (VCV002200115.3), dbSNP rs1030112980, ClinGen allele CA259601462.

ClinVar aggregate classification (germline): Uncertain significance. Review status: criteria provided, multiple submitters, no conflicts (2 of 4 stars). 2 submissions from 2 submitters: Uncertain significance (2). Last evaluated 2023-12-20.

Conditions:
Fanconi anemia (FA). Also called: Fanconi's anemia. Identifiers: Orphanet 84, MedGen C0015625, MeSH D005199, MONDO:0019391.

Allele frequency attached by ClinVar (database versions not stated): TOPMed below 0.00001; gnomAD 0.00001.
gnomAD v4.1: 6 of 1,613,998 alleles (0.00037%); highest among the groups gnomAD compares: South Asian, 0.0011%; no homozygotes.

Submissions (2):

GeneDx
Classification: Uncertain significance. Last evaluated: 2023-12-20. Review status: criteria provided, single submitter. Criteria: GeneDx Variant Classification Process June 2021. Collection method: clinical testing. Allele origin: germline. Affected: yes.
Comment: Not observed at significant frequency in large population cohorts (gnomAD); In silico analysis supports that this missense variant does not alter protein structure/function; Has not been previously published as pathogenic or benign to our knowledge; In silico analysis is inconclusive as to whether the variant alters gene splicing. In the absence of RNA/functional studies, the actual effect of this sequence change is unknown.

Labcorp Genetics (formerly Invitae), Labcorp
Classification: Uncertain significance for Fanconi anemia. Last evaluated: 2022-05-11. Review status: criteria provided, single submitter. Criteria: Invitae Variant Classification Sherloc (09022015). Collection method: clinical testing. Allele origin: germline.
Comment: In summary, the available evidence is currently insufficient to determine the role of this variant in disease. Therefore, it has been classified as a Variant of Uncertain Significance. Algorithms developed to predict the effect of sequence changes on RNA splicing suggest that this variant may disrupt the consensus splice site. Algorithms developed to predict the effect of missense changes on protein structure and function output the following: SIFT: "Deleterious"; PolyPhen-2: "Benign"; Align-GVGD: "Class C0". The leucine amino acid residue is found in multiple mammalian species, which suggests that this missense change does not adversely affect protein function. This variant has not been reported in the literature in individuals affected with FANCM-related conditions. This variant is present in population databases (no rsID available, gnomAD 0.003%). This sequence change replaces serine, which is neutral and polar, with leucine, which is neutral and non-polar, at codon 1791 of the FANCM protein (p.Ser1791Leu).